The following is an entry in ClinVar:

NM_003055.3(SLC18A3):c.280A>G (p.Thr94Ala)

Genes: CHAT (choline O-acetyltransferase; plus strand), SLC18A3 (solute carrier family 18 member A3; plus strand). Cytogenetic location: 10q11.23.
Variant type: single nucleotide variant.
Coding change: c.280A>G on transcript NM_003055.3 (MANE Select); coding-DNA position 280, A replaced by G.
Protein change: p.Thr94Ala; replaces threonine 94 with alanine.
Molecular consequence: missense variant. On other transcripts: intron variant (1).
Genome position (GRCh38, 1-based): chr10:49,611,020, A>G. VCF-style: chr10-49611020-A-G. GRCh37 (hg19) VCF-style: chr10-50819066-A-G.
Other names: c.-69+1821A>G (NM_020984.4); short protein forms T94A.
Identifiers: ClinVar variation 1400025 (VCV001400025.6), dbSNP rs1838279783, ClinGen allele CA376716991.

ClinVar aggregate classification (germline): Conflicting classifications of pathogenicity. Review status: criteria provided, conflicting classifications (1 of 4 stars). 2 submissions from 2 submitters: Uncertain significance (1); Likely benign (1). Last evaluated 2025-08-10.

Conditions:
Inborn genetic diseases. Identifiers: MedGen C0950123, MeSH D030342.

Allele frequency attached by ClinVar (database versions not stated): gnomAD exomes below 0.00001; gnomAD 0.00001; TOPMed 0.00002.
gnomAD v4.1: 2 of 1,613,700 alleles (0.00012%); highest among the groups gnomAD compares: Admixed American, 0.0017%; no homozygotes.

Submissions (2):

Ambry Genetics
Classification: Likely benign for Inborn genetic diseases. Last evaluated: 2025-08-10. Review status: criteria provided, single submitter. Criteria: Ambry Variant Classification Scheme 2023. Collection method: clinical testing. Allele origin: germline.

Labcorp Genetics (formerly Invitae), Labcorp
Classification: Uncertain significance. Last evaluated: 2021-08-02. Review status: criteria provided, single submitter. Criteria: Invitae Variant Classification Sherloc (09022015). Collection method: clinical testing. Allele origin: germline.
Comment: In summary, the available evidence is currently insufficient to determine the role of this variant in disease. Therefore, it has been classified as a Variant of Uncertain Significance. Algorithms developed to predict the effect of missense changes on protein structure and function output the following: SIFT: "Tolerated"; PolyPhen-2: "Benign"; Align-GVGD: "Class C0". The alanine amino acid residue is found in multiple mammalian species, which suggests that this missense change does not adversely affect protein function. This variant has not been reported in the literature in individuals affected with SLC18A3-related conditions. This variant is not present in population databases (ExAC no frequency). This sequence change replaces threonine with alanine at codon 94 of the SLC18A3 protein (p.Thr94Ala). The threonine residue is weakly conserved and there is a small physicochemical difference between threonine and alanine.